The following is an entry in ClinVar:

ClinVar aggregate classification (germline): Uncertain significance (1 of 4 stars; one submission).

Submission:

Ambry Genetics
Classification: Uncertain significance. Last evaluated: 2022-02-04. Review status: criteria provided, single submitter. Criteria: Ambry Variant Classification Scheme 2023. Collection method: clinical testing. Allele origin: germline.
Comment: The p.I47F variant (also known as c.139A>T), located in coding exon 2 of the NPAT gene, results from an A to T substitution at nucleotide position 139. The isoleucine at codon 47 is replaced by phenylalanine, an amino acid with highly similar properties. This amino acid position is conserved. In addition, the in silico prediction for this alteration is inconclusive. Since supporting evidence is limited at this time, the clinical significance of this alteration remains unclear.

NM_002519.3(NPAT):c.139A>T (p.Ile47Phe)

Gene: NPAT (nuclear protein, coactivator of histone transcription; minus strand). Cytogenetic location: 11q22.3.
Variant type: single nucleotide variant.
Coding change: c.139A>T on transcript NM_002519.3 (MANE Select); coding-DNA position 139, A replaced by T.
Protein change: p.Ile47Phe; replaces isoleucine 47 with phenylalanine.
Molecular consequence: missense variant.
Genome position (GRCh38, 1-based): chr11:108,197,319, T>A on the plus strand (A>T on the coding strand, the complement: NPAT is on the minus strand). VCF-style: chr11-108197319-T-A. GRCh37 (hg19) VCF-style: chr11-108068046-T-A.
Other names: c.139A>T, p.Ile47Phe (NM_001321307.1); short protein forms I47F.
Identifiers: ClinVar variation 3222465 (VCV003222465.1), dbSNP rs2496759924, ClinGen allele CA382527899.